The following is an entry in ClinVar:

ClinVar aggregate classification (germline): Benign/Likely benign. Review status: criteria provided, multiple submitters, no conflicts (2 of 4 stars). 5 submissions from 4 submitters: Benign (2); Likely benign (3). Last evaluated 2026-04-01.

Conditions:
Adult-onset proximal spinal muscular atrophy, autosomal dominant. Also called: Spinal muscular atrophy, late-onset, finkel type; FINKEL LATE-ADULT TYPE SMA. Identifiers: Orphanet 209335, MedGen C1854058, MONDO:0008453, OMIM 182980.
Amyotrophic lateral sclerosis type 8 (ALS8). Identifiers: Orphanet 803, MedGen C1837728, MONDO:0012077, OMIM 608627.

Allele frequency attached by ClinVar (database versions not stated): 1000 Genomes Project 0.00060; 1000 Genomes Project 30x 0.00062; TOPMed 0.00097; ESP Exome Variant Server 0.00131.
gnomAD v4.1: 1,391 of 1,574,292 alleles (0.088%); highest among the groups gnomAD compares: Middle Eastern, 0.87%; 7 homozygotes.

Submissions (5):

CeGaT Center for Human Genetics Tuebingen
Classification: Likely benign. Last evaluated: 2026-04-01. Review status: criteria provided, single submitter. Criteria: CeGaT Center For Human Genetics Tuebingen Variant Classification Criteria Version 2. Collection method: clinical testing. Allele origin: germline. Affected: yes. Observed: 1 variant allele.
Comment: VAPB: BS1

Labcorp Genetics (formerly Invitae), Labcorp
Classification: Benign for Adult-onset proximal spinal muscular atrophy, autosomal dominant; Amyotrophic lateral sclerosis type 8. Last evaluated: 2022-11-01. Review status: criteria provided, single submitter. Criteria: Invitae Variant Classification Sherloc (09022015). Collection method: clinical testing. Allele origin: germline.

Illumina Laboratory Services, Illumina
Classification: Benign for Amyotrophic lateral sclerosis type 8. Last evaluated: 2018-01-12. Review status: criteria provided, single submitter. Criteria: ICSL Variant Classification Criteria 13 December 2019. Collection method: clinical testing. Allele origin: germline.
Comment: This variant was observed in the ICSL laboratory as part of a predisposition screen in an ostensibly healthy population. It had not been previously curated by ICSL or reported in the Human Gene Mutation Database (HGMD: prior to June 1st, 2018), and was therefore a candidate for classification through an automated scoring system. Utilizing variant allele frequency, disease prevalence and penetrance estimates, and inheritance mode, an automated score was calculated to assess if this variant is too frequent to cause the disease. Based on the score and internal cut-off values, a variant classified as benign is not then subjected to further curation. The score for this variant resulted in a classification of benign for this disease.

Illumina Laboratory Services, Illumina
Classification: Likely benign for Adult-onset proximal spinal muscular atrophy, autosomal dominant. Last evaluated: 2018-01-12. Review status: criteria provided, single submitter. Criteria: ICSL Variant Classification Criteria 13 December 2019. Collection method: clinical testing. Allele origin: germline.
Comment: This variant was observed in the ICSL laboratory as part of a predisposition screen in an ostensibly healthy population. It had not been previously curated by ICSL or reported in the Human Gene Mutation Database (HGMD: prior to June 1st, 2018), and was therefore a candidate for classification through an automated scoring system. Utilizing variant allele frequency, disease prevalence and penetrance estimates, and inheritance mode, an automated score was calculated to assess if this variant is too frequent to cause the disease. Based on the score and internal cut-off values, a variant classified as likely benign is not then subjected to further curation. The score for this variant resulted in a classification of likely benign for this disease.

Breakthrough Genomics
Classification: Likely benign. Review status: criteria provided, single submitter. Criteria: ACMG Guidelines, 2015. Collection method: not provided. Allele origin: germline. Inheritance: Autosomal dominant inheritance. Affected: yes.

NM_004738.5(VAPB):c.-33C>G

Gene: VAPB (VAMP associated protein B and C; plus strand). Cytogenetic location: 20q13.32.
Variant type: single nucleotide variant.
Coding change: c.-33C>G on transcript NM_004738.5 (MANE Select); 33 bases upstream of the start codon, C replaced by G.
Molecular consequence: 5 prime UTR variant. On other transcripts: non-coding transcript variant (1).
Genome position (GRCh38, 1-based): chr20:58,389,427, C>G. VCF-style: chr20-58389427-C-G. GRCh37 (hg19) VCF-style: chr20-56964483-C-G.
Other names: c.-33C>G (NM_001195677.2).
Identifiers: ClinVar variation 338927 (VCV000338927.55), dbSNP rs201547974, ClinGen allele CA9924121.